The following is an entry in ClinVar:

ClinVar aggregate classification (germline): Uncertain significance. Review status: criteria provided, single submitter (1 of 4 stars). 2 submissions from 2 submitters: Uncertain significance (1). 1 of the submissions does not count toward it. Last evaluated 2022-07-12.

Conditions:
Glutaric acidemia type 2C.
Multiple acyl-CoA dehydrogenase deficiency (MADD). Also called: Glutaric acidemia type II; GA 2; Glutaric Acidemia type 2; ETHYLMALONIC-ADIPICACIDURIA; GA II; Glutaric aciduria, type 2. Identifiers: Orphanet 26791, MedGen C0268596, MONDO:0009282, OMIM 231680.

Allele frequency attached by ClinVar (database versions not stated): gnomAD exomes below 0.00001.
gnomAD v4.1: 1 of 1,614,170 alleles (0.000062%); highest among the groups gnomAD compares: Non-Finnish European, 0.000085%; no homozygotes.

Submissions (2):

Labcorp Genetics (formerly Invitae), Labcorp
Classification: Uncertain significance for Multiple acyl-CoA dehydrogenase deficiency. Last evaluated: 2022-07-12. Review status: criteria provided, single submitter. Criteria: Invitae Variant Classification Sherloc (09022015). Collection method: clinical testing. Allele origin: germline.
Comment: In summary, the available evidence is currently insufficient to determine the role of this variant in disease. Therefore, it has been classified as a Variant of Uncertain Significance. Advanced modeling of protein sequence and biophysical properties (such as structural, functional, and spatial information, amino acid conservation, physicochemical variation, residue mobility, and thermodynamic stability) performed at Invitae indicates that this missense variant is not expected to disrupt ETFDH protein function. ClinVar contains an entry for this variant (Variation ID: 656630). This variant has not been reported in the literature in individuals affected with ETFDH-related conditions. This variant is not present in population databases (gnomAD no frequency). This sequence change replaces glutamic acid, which is acidic and polar, with glycine, which is neutral and non-polar, at codon 95 of the ETFDH protein (p.Glu95Gly).

Natera, Inc.
Classification: Uncertain significance for Glutaric acidemia type 2C. Last evaluated: 2021-06-03. Review status: no assertion criteria provided. Collection method: clinical testing. Allele origin: germline. Not counted in ClinVar's aggregate classification.

NM_004453.4(ETFDH):c.284A>G (p.Glu95Gly)

Gene: ETFDH (electron transfer flavoprotein dehydrogenase; plus strand). Cytogenetic location: 4q32.1.
Variant type: single nucleotide variant.
Coding change: c.284A>G on transcript NM_004453.4 (MANE Select); coding-DNA position 284, A replaced by G.
Protein change: p.Glu95Gly; replaces glutamic acid 95 with glycine.
Molecular consequence: missense variant.
Genome position (GRCh38, 1-based): chr4:158,682,303, A>G. VCF-style: chr4-158682303-A-G. GRCh37 (hg19) VCF-style: chr4-159603455-A-G.
Other names: c.143A>G, p.Glu48Gly (NM_001281737.2); c.101A>G, p.Glu34Gly (NM_001281738.1); short protein forms E34G, E48G, E95G.
Identifiers: ClinVar variation 656630 (VCV000656630.10), dbSNP rs1580396806, ClinGen allele CA358574145.
Genomic context (GRCh38, chr4:158,682,303, plus strand): 5'-GTGCAGGCCCTGCAGGGCTCTCTGCAGCTGTTCGTCTAAAACAGTTGGCTGTGGCACATG[A>G]AAAGGACATCCGTGTGTGTCTAGTGGAGAAAGCTGCCCAGATAGGAGCTCATACTCTCTC-3'
Protein context (NP_004444.2, residues 85-105): VRLKQLAVAH[Glu95Gly]KDIRVCLVEK